The following is an entry in ClinVar:

ClinVar aggregate classification (germline): Uncertain significance (1 of 4 stars; one submission).

Conditions:
Ataxia-telangiectasia syndrome (AT). Also called: Ataxia telangiectasia (A-T); ATAXIA-TELANGIECTASIA, COMPLEMENTATION GROUP A; ATAXIA-TELANGIECTASIA, FRESNO VARIANT; Ataxia-telangiectasia; Ataxia-telangiectasia, complementation group E; LOUIS-BAR SYNDROME. Identifiers: Orphanet 100, MedGen C0004135, MONDO:0008840, OMIM 208900.

Submission:

Labcorp Genetics (formerly Invitae), Labcorp
Classification: Uncertain significance for Ataxia-telangiectasia syndrome. Last evaluated: 2025-11-02. Review status: criteria provided, single submitter. Criteria: Invitae Variant Classification Sherloc (09022015). Collection method: clinical testing. Allele origin: germline.
Comment: This sequence change replaces aspartic acid, which is acidic and polar, with glutamic acid, which is acidic and polar, at codon 2721 of the ATM protein (p.Asp2721Glu). This variant is not present in population databases (gnomAD no frequency). This variant has not been reported in the literature in individuals affected with ATM-related conditions. ClinVar contains an entry for this variant (Variation ID: 1063730). Invitae Evidence Modeling of protein sequence and biophysical properties (such as structural, functional, and spatial information, amino acid conservation, physicochemical variation, residue mobility, and thermodynamic stability) indicates that this missense variant is expected to disrupt ATM protein function with a positive predictive value of 95%. In summary, the available evidence is currently insufficient to determine the role of this variant in disease. Therefore, it has been classified as a Variant of Uncertain Significance.

NM_000051.4(ATM):c.8163C>A (p.Asp2721Glu)

Genes: ATM (ATM serine/threonine kinase; plus strand), C11orf65 (chromosome 11 open reading frame 65; minus strand). Cytogenetic location: 11q22.3.
Variant type: single nucleotide variant.
Coding change: c.8163C>A on transcript NM_000051.4 (MANE Select); coding-DNA position 8163, C replaced by A.
Protein change: p.Asp2721Glu; replaces aspartic acid 2721 with glutamic acid.
Molecular consequence: missense variant. On other transcripts: intron variant (2).
Genome position (GRCh38, 1-based): chr11:108,335,856, C>A. VCF-style: chr11-108335856-C-A. GRCh37 (hg19) VCF-style: chr11-108206583-C-A.
Other names: c.8163C>A, p.Asp2721Glu (NM_001351834.2); c.641-26785G>T (NM_001330368.2); c.695-564G>T (NM_001351110.2); short protein forms D2721E.
Identifiers: ClinVar variation 1063730 (VCV001063730.9), dbSNP rs1305816583, ClinGen allele CA382562478.